The following is an entry in ClinVar:

ClinVar aggregate classification (germline): Conflicting classifications of pathogenicity. Review status: criteria provided, conflicting classifications (1 of 4 stars). 4 submissions from 4 submitters: Uncertain significance (1); Likely benign (3). Last evaluated 2026-02-01.

Conditions:
LRP5-related disorder. Also called: LRP5-related condition.

Allele frequency attached by ClinVar (database versions not stated): ExAC 0.00003; gnomAD 0.00005 and 0.00006; TOPMed 0.00005; gnomAD exomes 0.00008.

Submissions (4):

CeGaT Center for Human Genetics Tuebingen
Classification: Likely benign. Last evaluated: 2026-02-01. Review status: criteria provided, single submitter. Criteria: CeGaT Center For Human Genetics Tuebingen Variant Classification Criteria Version 2. Collection method: clinical testing. Allele origin: germline. Affected: yes. Observed: 1 variant allele.
Comment: LRP5: BP4, BP7

Labcorp Genetics (formerly Invitae), Labcorp
Classification: Likely benign. Last evaluated: 2025-12-17. Review status: criteria provided, single submitter. Criteria: Invitae Variant Classification Sherloc (09022015). Collection method: clinical testing. Allele origin: germline.

PreventionGenetics, part of Exact Sciences
Classification: Uncertain significance for LRP5-related condition. Last evaluated: 2025-06-24. Review status: criteria provided, single submitter. Criteria: ACMG Guidelines, 2015. Collection method: clinical testing. Allele origin: germline.
Comment: The LRP5 c.3783G>A variant is not predicted to result in an amino acid change (p.=). This variant is predicted to impact splicing based on splicing prediction programs (SpliceAI, Jaganathan K, et al. 2019. PubMed ID: 30661751). However, the use of computer prediction programs is not equivalent to functional evidence. To our knowledge, this variant has not been reported in the literature. This variant is reported in 0.025% of alleles in individuals of Latino descent in gnomAD. At this time, the clinical significance of this variant is uncertain due to the absence of conclusive functional and genetic evidence.

Blueprint Genetics
Classification: Likely benign. Last evaluated: 2024-11-08. Review status: criteria provided, single submitter. Criteria: ACMG Guidelines, 2015. Collection method: clinical testing. Allele origin: germline.

NM_002335.4(LRP5):c.3783G>A (p.Pro1261=)

Gene: LRP5 (LDL receptor related protein 5; plus strand). Cytogenetic location: 11q13.2.
Variant type: single nucleotide variant.
Coding change: c.3783G>A on transcript NM_002335.4 (MANE Select); coding-DNA position 3783, G replaced by A.
Protein change: p.Pro1261=; no amino-acid change (proline 1261 retained).
Molecular consequence: synonymous variant.
Genome position (GRCh38, 1-based): chr11:68,433,621, G>A. VCF-style: chr11-68433621-G-A. GRCh37 (hg19) VCF-style: chr11-68201089-G-A.
Other names: c.2040G>A, p.Pro680= (NM_001291902.2).
Identifiers: ClinVar variation 734782 (VCV000734782.14), dbSNP rs762105365, ClinGen allele CA6150118.